The following is an entry in ClinVar:

ClinVar aggregate classification (germline): Likely benign. Review status: criteria provided, multiple submitters, no conflicts (2 of 4 stars). 2 submissions from 2 submitters: Likely benign (2). Last evaluated 2022-10-01.

gnomAD v4.1: 6 of 1,613,348 alleles (0.00037%); highest among the groups gnomAD compares: Non-Finnish European, 0.00042%; no homozygotes.

Submissions (2):

CeGaT Center for Human Genetics Tuebingen
Classification: Likely benign. Last evaluated: 2022-10-01. Review status: criteria provided, single submitter. Criteria: CeGaT Center For Human Genetics Tuebingen Variant Classification Criteria Version 2. Collection method: clinical testing. Allele origin: germline. Affected: yes. Observed: 1 variant allele.
Comment: YARS2: BP4, BP7

Labcorp Genetics (formerly Invitae), Labcorp
Classification: Likely benign. Last evaluated: 2022-08-28. Review status: criteria provided, single submitter. Criteria: Invitae Variant Classification Sherloc (09022015). Collection method: clinical testing. Allele origin: germline.

NM_001040436.3(YARS2):c.54A>C (p.Leu18=)

Gene: YARS2 (tyrosyl-tRNA synthetase 2; minus strand). Cytogenetic location: 12p11.21.
Variant type: single nucleotide variant.
Coding change: c.54A>C on transcript NM_001040436.3 (MANE Select); coding-DNA position 54, A replaced by C.
Protein change: p.Leu18=; no amino-acid change (leucine 18 retained).
Molecular consequence: synonymous variant.
Genome position (GRCh38, 1-based): chr12:32,755,821, T>G on the plus strand (A>C on the coding strand, the complement: YARS2 is on the minus strand). VCF-style: chr12-32755821-T-G. GRCh37 (hg19) VCF-style: chr12-32908755-T-G.
Identifiers: ClinVar variation 2027529 (VCV002027529.28), dbSNP rs765542594, ClinGen allele CA6508249.